The following is an entry in ClinVar:

ClinVar aggregate classification (germline): Uncertain significance. Review status: criteria provided, multiple submitters, no conflicts (2 of 4 stars). 2 submissions from 2 submitters: Uncertain significance (2). Last evaluated 2025-04-09.

Conditions:
Cardiovascular phenotype. Identifiers: MedGen CN230736.

Submissions (2):

Molecular Diagnostic Laboratory for Inherited Cardiovascular Disease, Montreal Heart Institute
Classification: Uncertain significance for Cardiovascular phenotype. Last evaluated: 2025-04-09. Review status: criteria provided, single submitter. Criteria: ACMG Guidelines, 2015. Collection method: clinical testing. Allele origin: germline. Affected: yes.
Comment: PVS1_supp

Blueprint Genetics
Classification: Uncertain significance. Last evaluated: 2024-11-20. Review status: criteria provided, single submitter. Criteria: ACMG Guidelines, 2015. Collection method: clinical testing. Allele origin: germline.

NM_198060.4(NRAP):c.5095dup (p.Ala1699fs)

Genes: HABP2 (hyaluronan binding protein 2; plus strand), NRAP (nebulin related anchoring protein; minus strand). Cytogenetic location: 10q25.3.
Variant type: Duplication.
Coding change: c.5095dup on transcript NM_198060.4 (MANE Select); coding-DNA position 5095, one base duplicated (G; older notation c.5095dupG).
Protein change: p.Ala1699fs; shifts the reading frame from alanine 1699.
Molecular consequence: frameshift variant. On other transcripts: 3 prime UTR variant (2).
Genome position (GRCh38, 1-based): chr10:113,589,073, C duplicated on the plus strand (G on the coding strand, the reverse complement: NRAP is on the minus strand); the first of 6 consecutive C bases (chr10:113,589,073-113,589,078); duplicating any one gives the same sequence. VCF-style (leftmost placement, unchanged base first): chr10-113589072-G-GC. GRCh37 (hg19) VCF-style: chr10-115348831-G-GC.
Other names: c.*709dup (NM_001177660.3, NM_004132.5); c.5098dup, p.Ala1700fs (NM_001261463.2); c.4987dup, p.Ala1663fs (NM_001322945.2); c.4990dup, p.Ala1664fs (NM_006175.5); short protein forms A1663fs, A1664fs, A1699fs, A1700fs.
Identifiers: ClinVar variation 3895187 (VCV003895187.2), dbSNP rs765182837.